The following is an entry in ClinVar:

ClinVar aggregate classification (germline): Likely pathogenic (1 of 4 stars; one submission).

Conditions:
Cohen syndrome (COH1). Also called: PEPPER SYNDROME; Cutis verticis gyrata, retinitis pigmentosa, and sensorineural deafness. Identifiers: Orphanet 193, MedGen C0265223, MONDO:0008999, OMIM 216550.

Submission:

Labcorp Genetics (formerly Invitae), Labcorp
Classification: Likely pathogenic for Cohen syndrome. Last evaluated: 2022-02-05. Review status: criteria provided, single submitter. Criteria: Invitae Variant Classification Sherloc (09022015). Collection method: clinical testing. Allele origin: germline.
Comment: In summary, the currently available evidence indicates that the variant is pathogenic, but additional data are needed to prove that conclusively. Therefore, this variant has been classified as Likely Pathogenic. This variant has not been reported in the literature in individuals affected with VPS13B-related conditions. This variant results in a copy number gain of the genomic region encompassing exon(s) 60-61 of the VPS13B gene. While the exact position of this variant cannot be determined from the data, sub-genic copy number gains are generally in tandem (PMID: 25640679). This variant is predicted to be out-of-frame, and may result in an absent or disrupted protein product. Loss-of-function variants in VPS13B are known to be pathogenic (PMID: 15141358, 16648375, 20461111).

Literature cited by the submitters: PubMed 25640679; PubMed 15141358; PubMed 16648375; PubMed 20461111.

NC_000008.10:g.(?_100882993)_(100883945_?)dup

Gene: VPS13B (vacuolar protein sorting 13 homolog B; plus strand). Cytogenetic location: 8q22.2.
Variant type: Duplication.
Identifiers: ClinVar variation 1521852 (VCV001521852.5).